The following is an entry in ClinVar:

ClinVar aggregate classification (germline): Uncertain significance (1 of 4 stars; one submission).

Conditions:
Hereditary cancer-predisposing syndrome. Also called: Neoplastic Syndromes, Hereditary; Tumor predisposition; Hereditary Cancer Syndrome; Hereditary neoplastic syndrome. Identifiers: Orphanet 140162, MedGen C0027672, MeSH D009386, MONDO:0015356.

Submission:

Ambry Genetics
Classification: Uncertain significance for Hereditary cancer-predisposing syndrome. Last evaluated: 2022-09-28. Review status: criteria provided, single submitter. Criteria: Ambry Variant Classification Scheme 2023. Collection method: clinical testing. Allele origin: germline.
Comment: The p.E223A variant (also known as c.668A>C), located in coding exon 7 of the EPCAM gene, results from an A to C substitution at nucleotide position 668. The glutamic acid at codon 223 is replaced by alanine, an amino acid with dissimilar properties. This amino acid position is conserved. In addition, the in silico prediction for this alteration is inconclusive. Since supporting evidence is limited at this time, the clinical significance of this alteration remains unclear.

NM_002354.3(EPCAM):c.668A>C (p.Glu223Ala)

Gene: EPCAM (epithelial cell adhesion molecule; plus strand). Cytogenetic location: 2p21.
Variant type: single nucleotide variant.
Coding change: c.668A>C on transcript NM_002354.3 (MANE Select); coding-DNA position 668, A replaced by C.
Protein change: p.Glu223Ala; replaces glutamic acid 223 with alanine.
Molecular consequence: missense variant.
Genome position (GRCh38, 1-based): chr2:47,379,779, A>C. VCF-style: chr2-47379779-A-C. GRCh37 (hg19) VCF-style: chr2-47606918-A-C.
Other names: short protein forms E223A.
Identifiers: ClinVar variation 1754886 (VCV001754886.2), dbSNP rs760783078, ClinGen allele CA346724341.
Genomic context (GRCh38, chr2:47,379,779, plus strand): 5'-TGGTTGGTTTCCTTAAATATTTTTAATTCCTTTTCTCCTTTTCAATACAGGTTAAAGGTG[A>C]ATCCTTGTTTCATTCTAAGAAAATGGACCTGACAGTAAATGGGGAACAACTGGATCTGGA-3'
Protein context (NP_002345.2, residues 213-233): AYYFEKDVKG[Glu223Ala]SLFHSKKMDL